The following is an entry in ClinVar:

ClinVar aggregate classification (germline): Pathogenic/Likely pathogenic. Review status: criteria provided, multiple submitters, no conflicts (2 of 4 stars). 3 submissions from 3 submitters: Pathogenic (1); Likely pathogenic (1). 1 of the submissions does not count toward it. Last evaluated 2025-02-19.

Conditions:
Leukodystrophy, hypomyelinating, 19, transient infantile. Identifiers: MedGen C5231463, MONDO:0032871, OMIM 618688.
Leukodystrophy. Identifiers: Orphanet 68356, MedGen C0023520, MONDO:0019046, HP:0002415.

Allele frequency attached by ClinVar (database versions not stated): gnomAD exomes below 0.00001.
gnomAD v4.1: 1 of 1,602,912 alleles (0.000062%); highest among the groups gnomAD compares: Non-Finnish European, 0.000085%; no homozygotes.

Submissions (3):

Pediatric Department, Peking University First Hospital
Classification: Likely pathogenic for Leukodystrophy, hypomyelinating, 19, transient infantile. Last evaluated: 2025-02-19. Review status: criteria provided, single submitter. Criteria: ACMG Guidelines, 2015. Collection method: research. Allele origin: maternal. Affected: yes.
Comment: The NM_014698.3:c.1699G>T is a missense variant in TMEM63A that results in the same amino acid change as a previously established pathogenic variant reported in the literature (PMID: 31587869) (PS1). The variant is absent in controls according to gnomAD, Exome, 1000 Genomes and ExAC (PM2). The variant was predicted to be damaging by multiple silico tools, including VariantTaster, SIFT, Polyphen-2 and M-Cap, and the CADD score was 32 (PP3). The family history and phenotypes of the patient were highly specific for HLD19 (PP4). In summary, the variant was classified as likely pathogenic for HLD19 based on the ACMG criteria applied: PS1, PM2, PP3, PP4.

Simons Lab, The University of Queensland
Classification: Pathogenic for Leukodystrophy. Last evaluated: 2019-09-04. Review status: criteria provided, single submitter. Criteria: ACMG Guidelines, 2015. Collection method: research. Allele origin: de novo, paternal. Inheritance: Autosomal dominant inheritance. Affected: yes. Observed: 2 heterozygotes. Clinical features observed: Leukodystrophy (HP:0002415), Optic atrophy.

OMIM
Classification: Pathogenic for LEUKODYSTROPHY, HYPOMYELINATING, 19, TRANSIENT INFANTILE. Last evaluated: 2019-12-09. Review status: no assertion criteria provided. Collection method: literature only. Allele origin: germline. Not counted in ClinVar's aggregate classification.

Literature cited by the submitters: PubMed 31587869 (cited by Pediatric Department, Peking University First Hospital and OMIM).

NM_014698.3(TMEM63A):c.1699G>A (p.Gly567Ser)

Gene: TMEM63A (transmembrane protein 63A; minus strand). Cytogenetic location: 1q42.12.
Variant type: single nucleotide variant.
Coding change: c.1699G>A on transcript NM_014698.3 (MANE Select); coding-DNA position 1699, G replaced by A.
Protein change: p.Gly567Ser; replaces glycine 567 with serine.
Molecular consequence: missense variant.
Genome position (GRCh38, 1-based): chr1:225,853,727, C>T on the plus strand (G>A on the coding strand, the complement: TMEM63A is on the minus strand). VCF-style: chr1-225853727-C-T. GRCh37 (hg19) VCF-style: chr1-226041428-C-T.
Other names: short protein forms G567S.
Identifiers: ClinVar variation 689461 (VCV000689461.4), dbSNP rs1576074651, ClinGen allele CA345013651.